The following is an entry in ClinVar:

NM_178335.3(CCDC50):c.1271A>C (p.Lys424Thr)

Gene: CCDC50 (coiled-coil domain containing 50; plus strand). Cytogenetic location: 3q28.
Variant type: single nucleotide variant.
Coding change: c.1271A>C on transcript NM_178335.3 (MANE Select); coding-DNA position 1271, A replaced by C.
Protein change: p.Lys424Thr; replaces lysine 424 with threonine.
Molecular consequence: missense variant.
Genome position (GRCh38, 1-based): chr3:191,382,774, A>C. VCF-style: chr3-191382774-A-C. GRCh37 (hg19) VCF-style: chr3-191100563-A-C.
Other names: c.743A>C, p.Lys248Thr (NM_174908.4); short protein forms K248T, K424T.
Identifiers: ClinVar variation 3368042 (VCV003368042.1).

ClinVar aggregate classification (germline): Uncertain significance (1 of 4 stars; one submission).

Submission:

GeneDx
Classification: Uncertain significance. Last evaluated: 2024-01-24. Review status: criteria provided, single submitter. Criteria: GeneDx Variant Classification Process June 2021. Collection method: clinical testing. Allele origin: germline. Affected: yes.
Comment: Not observed at significant frequency in large population cohorts (gnomAD); In silico analysis supports that this missense variant has a deleterious effect on protein structure/function; Has not been previously published as pathogenic or benign to our knowledge